The following is an entry in ClinVar:

ClinVar aggregate classification (germline): Uncertain significance. Review status: criteria provided, multiple submitters, no conflicts (2 of 4 stars). 3 submissions from 3 submitters: Uncertain significance (3). Last evaluated 2022-02-10.

Conditions:
Adenylosuccinate lyase deficiency (ADSLD). Also called: ADSL DEFICIENCY. Identifiers: Orphanet 46, MedGen C0268126, MONDO:0007068, OMIM 103050.

Allele frequency attached by ClinVar (database versions not stated): gnomAD exomes below 0.00001; ExAC 0.00001.
gnomAD v4.1: 21 of 1,614,088 alleles (0.0013%); highest among the groups gnomAD compares: East Asian, 0.0022%; no homozygotes.

Submissions (3):

Labcorp Genetics (formerly Invitae), Labcorp
Classification: Uncertain significance for Adenylosuccinate lyase deficiency. Last evaluated: 2022-02-10. Review status: criteria provided, single submitter. Criteria: Invitae Variant Classification Sherloc (09022015). Collection method: clinical testing. Allele origin: germline.
Comment: This sequence change replaces aspartic acid, which is acidic and polar, with asparagine, which is neutral and polar, at codon 73 of the ADSL protein (p.Asp73Asn). This variant is present in population databases (rs745787396, gnomAD 0.0009%). This variant has not been reported in the literature in individuals affected with ADSL-related conditions. ClinVar contains an entry for this variant (Variation ID: 809372). Advanced modeling of protein sequence and biophysical properties (such as structural, functional, and spatial information, amino acid conservation, physicochemical variation, residue mobility, and thermodynamic stability) performed at Invitae indicates that this missense variant is not expected to disrupt ADSL protein function. In summary, the available evidence is currently insufficient to determine the role of this variant in disease. Therefore, it has been classified as a Variant of Uncertain Significance.

GeneDx
Classification: Uncertain significance. Last evaluated: 2020-07-07. Review status: criteria provided, single submitter. Criteria: GeneDx Variant Classification Process June 2021. Collection method: clinical testing. Allele origin: germline. Affected: yes.
Comment: Not observed at a significant frequency in large population cohorts (Lek et al., 2016); In silico analysis supports that this missense variant has a deleterious effect on protein structure/function; Has not been previously published as pathogenic or benign to our knowledge

CeGaT Center for Human Genetics Tuebingen
Classification: Uncertain significance. Last evaluated: 2016-05-01. Review status: criteria provided, single submitter. Criteria: CeGaT Center For Human Genetics Tuebingen Variant Classification Criteria Version 2. Collection method: clinical testing. Allele origin: germline. Affected: yes. Observed: 1 variant allele.

NM_000026.4(ADSL):c.217G>A (p.Asp73Asn)

Gene: ADSL (adenylosuccinate lyase; plus strand). Cytogenetic location: 22q13.1.
Variant type: single nucleotide variant.
Coding change: c.217G>A on transcript NM_000026.4 (MANE Select); coding-DNA position 217, G replaced by A.
Protein change: p.Asp73Asn; replaces aspartic acid 73 with asparagine.
Molecular consequence: missense variant. On other transcripts: non-coding transcript variant (1).
Genome position (GRCh38, 1-based): chr22:40,349,895, G>A. VCF-style: chr22-40349895-G-A. GRCh37 (hg19) VCF-style: chr22-40745899-G-A.
Other names: c.217G>A, p.Asp73Asn (NM_001123378.3, NM_001363840.3); c.25G>A, p.Asp9Asn (NM_001317923.2); short protein forms D9N, D73N.
Identifiers: ClinVar variation 809372 (VCV000809372.45), dbSNP rs745787396, ClinGen allele CA10247648.